The following is an entry in ClinVar:

ClinVar aggregate classification (germline): Uncertain significance. Review status: criteria provided, multiple submitters, no conflicts (2 of 4 stars). 3 submissions from 3 submitters: Uncertain significance (3). Last evaluated 2024-05-28.

Allele frequency attached by ClinVar (database versions not stated): gnomAD 0.00001; TOPMed 0.00002; gnomAD exomes 0.00003 and 0.00008; ExAC 0.00011.
gnomAD v4.1: 47 of 1,559,272 alleles (0.003%); highest among the groups gnomAD compares: Admixed American, 0.029%; no homozygotes.

Submissions (4):

Blueprint Genetics
Classification: Uncertain significance. Last evaluated: 2024-05-28. Review status: criteria provided, single submitter. Criteria: ACMG Guidelines, 2015. Collection method: clinical testing. Allele origin: germline.

Labcorp Genetics (formerly Invitae), Labcorp
Classification: Uncertain significance. Last evaluated: 2023-11-27. Review status: criteria provided, single submitter. Criteria: Invitae Variant Classification Sherloc (09022015). Collection method: clinical testing. Allele origin: germline.
Comment: This sequence change falls in intron 14 of the CEP78 gene. It does not directly change the encoded amino acid sequence of the CEP78 protein. It affects a nucleotide within the consensus splice site. This variant is present in population databases (rs750594582, gnomAD 0.05%). This variant has not been reported in the literature in individuals affected with CEP78-related conditions. ClinVar contains an entry for this variant (Variation ID: 667213). Variants that disrupt the consensus splice site are a relatively common cause of aberrant splicing (PMID: 17576681, 9536098). Algorithms developed to predict the effect of sequence changes on RNA splicing suggest that this variant is not likely to affect RNA splicing. In summary, the available evidence is currently insufficient to determine the role of this variant in disease. Therefore, it has been classified as a Variant of Uncertain Significance.

Laboratory for Molecular Medicine, Mass General Brigham Personalized Medicine
Classification: Uncertain significance. Last evaluated: 2018-03-05. Review status: criteria provided, single submitter. Criteria: LMM Criteria. Collection method: clinical testing. Allele origin: germline. Observed: 1 variant allele.
Comment: Variant classified as Uncertain Significance - Favor Benign. The c.1800+5A>G var iant in CEP78 has not been previously reported in individuals with hearing loss, but has been identified in 0.05% (12/25126) of Latino chromosomes by the Genome Aggregation Database (gnomAD; dbSNP rs7505945 82). Although this variant has been seen in the general population, its frequenc y is not high enough to rule out a pathogenic role. This variant is located in t he 5' splice region. Computational tools do not suggest an impact to splicing. H owever, this information is not predictive enough to rule out pathogenicity. In summary, while the clinical significance of the c.1800+5A>G variant is uncertain , these data suggest that it is more likely to be benign. ACMG/AMP Criteria appl ied: BP4.

Dr. Peter K. Rogan Lab, Western University
No classification provided (evidence only). Condition: Familial cancer of breast. Review status: no classification provided. Collection method: in vitro. Allele origin: not applicable. Functional consequence: retained intron. Not counted in ClinVar's aggregate classification.

Literature cited by the submitters: PubMed 17576681 (cited by Labcorp Genetics (formerly Invitae), Labcorp); PubMed 9536098 (cited by Labcorp Genetics (formerly Invitae), Labcorp).

NM_001330691.3(CEP78):c.1797+5A>G

Gene: CEP78 (centrosomal protein 78; plus strand). Cytogenetic location: 9q21.2.
Variant type: single nucleotide variant.
Coding change: c.1797+5A>G on transcript NM_001330691.3 (MANE Select); 5 bases into the intron after coding-DNA position 1797, A replaced by G.
Molecular consequence: intron variant.
Genome position (GRCh38, 1-based): chr9:78,265,548, A>G. VCF-style: chr9-78265548-A-G. GRCh37 (hg19) VCF-style: chr9-80880464-A-G.
Other names: c.1800+5A>G (NM_001349839.2, NM_001349840.2, NM_001098802.3 and 1 more transcripts); c.1797+5A>G (NM_001330693.3, NM_001349838.2, NM_001330694.2).
Identifiers: ClinVar variation 667213 (VCV000667213.14), dbSNP rs750594582, ClinGen allele CA5095354.